The following is an entry in ClinVar:

NM_003737.4(DCHS1):c.5109C>G (p.Leu1703=)

Gene: DCHS1 (dachsous cadherin-related 1; minus strand). Cytogenetic location: 11p15.4.
Variant type: single nucleotide variant.
Coding change: c.5109C>G on transcript NM_003737.4 (MANE Select); coding-DNA position 5109, C replaced by G.
Protein change: p.Leu1703=; no amino-acid change (leucine 1703 retained).
Molecular consequence: synonymous variant.
Genome position (GRCh38, 1-based): chr11:6,629,504, G>C on the plus strand (C>G on the coding strand, the complement: DCHS1 is on the minus strand). VCF-style: chr11-6629504-G-C. GRCh37 (hg19) VCF-style: chr11-6650735-G-C.
Identifiers: ClinVar variation 3682056 (VCV003682056.9).

ClinVar aggregate classification (germline): Likely benign. Review status: criteria provided, multiple submitters, no conflicts (2 of 4 stars). 2 submissions from 2 submitters: Likely benign (2). Last evaluated 2025-04-01.

gnomAD v4.1: 14 of 1,613,268 alleles (0.00087%); highest among the groups gnomAD compares: Non-Finnish European, 0.0012%; no homozygotes.

Submissions (2):

CeGaT Center for Human Genetics Tuebingen
Classification: Likely benign. Last evaluated: 2025-04-01. Review status: criteria provided, single submitter. Criteria: CeGaT Center For Human Genetics Tuebingen Variant Classification Criteria Version 2. Collection method: clinical testing. Allele origin: germline. Affected: yes. Observed: 1 variant allele.
Comment: DCHS1: BP4, BP7

Labcorp Genetics (formerly Invitae), Labcorp
Classification: Likely benign. Last evaluated: 2024-05-01. Review status: criteria provided, single submitter. Criteria: Invitae Variant Classification Sherloc (09022015). Collection method: clinical testing. Allele origin: germline.